The following is an entry in ClinVar:

ClinVar aggregate classification (germline): Uncertain significance. Review status: criteria provided, multiple submitters, no conflicts (2 of 4 stars). 2 submissions from 2 submitters: Uncertain significance (2). Last evaluated 2026-03-30.

Allele frequency attached by ClinVar (database versions not stated): gnomAD 0.00001; gnomAD exomes 0.00001; TOPMed below 0.00001.
gnomAD v4.1: 8 of 1,551,606 alleles (0.00052%); highest among the groups gnomAD compares: Middle Eastern, 0.033%; no homozygotes.

Submissions (2):

GeneDx
Classification: Uncertain significance. Last evaluated: 2026-03-30. Review status: criteria provided, single submitter. Criteria: GeneDx Variant Classification Process June 2021. Collection method: clinical testing. Allele origin: germline.
Comment: Identified in a single individual from large cohorts of individuals with neurodevelopmental disorders; however, familial segregation information and additional clinical information were not provided (PMID: 28191889); Not observed at significant frequency in large population cohorts (gnomAD); In silico analysis supports that this missense variant has a deleterious effect on protein structure/function; This variant is associated with the following publications: (PMID: 28191889)

Labcorp Genetics (formerly Invitae), Labcorp
Classification: Uncertain significance. Last evaluated: 2025-05-18. Review status: criteria provided, single submitter. Criteria: Invitae Variant Classification Sherloc (09022015). Collection method: clinical testing. Allele origin: germline.
Comment: This sequence change replaces arginine, which is basic and polar, with cysteine, which is neutral and slightly polar, at codon 3069 of the UNC80 protein (p.Arg3069Cys). This variant is present in population databases (no rsID available, gnomAD 0.004%). This variant has not been reported in the literature in individuals affected with UNC80-related conditions. ClinVar contains an entry for this variant (Variation ID: 1396234). Invitae Evidence Modeling of protein sequence and biophysical properties (such as structural, functional, and spatial information, amino acid conservation, physicochemical variation, residue mobility, and thermodynamic stability) indicates that this missense variant is not expected to disrupt UNC80 protein function with a negative predictive value of 80%. Algorithms developed to predict the effect of sequence changes on RNA splicing suggest that this variant may disrupt the consensus splice site. In summary, the available evidence is currently insufficient to determine the role of this variant in disease. Therefore, it has been classified as a Variant of Uncertain Significance.

NM_001371986.1(UNC80):c.9403C>T (p.Arg3135Cys)

Gene: UNC80 (unc-80 subunit of NALCN channel complex; plus strand). Cytogenetic location: 2q34.
Variant type: single nucleotide variant.
Coding change: c.9403C>T on transcript NM_001371986.1 (MANE Select); coding-DNA position 9403, C replaced by T.
Protein change: p.Arg3135Cys; replaces arginine 3135 with cysteine.
Molecular consequence: missense variant.
Genome position (GRCh38, 1-based): chr2:209,993,321, C>T. VCF-style: chr2-209993321-C-T. GRCh37 (hg19) VCF-style: chr2-210858045-C-T.
Other names: c.9205C>T, p.Arg3069Cys (NM_032504.2); c.9133C>T, p.Arg3045Cys (NM_182587.4); c.9205C>T (NM_032504.1); short protein forms R3045C, R3069C, R3135C.
Identifiers: ClinVar variation 1396234 (VCV001396234.7), dbSNP rs1401772812, ClinGen allele CA350415453.